The following is an entry in ClinVar:

ClinVar aggregate classification (germline): Likely benign. Review status: criteria provided, multiple submitters, no conflicts (2 of 4 stars). 2 submissions from 2 submitters: Likely benign (2). Last evaluated 2016-03-18.

Allele frequency attached by ClinVar (database versions not stated): TOPMed 0.00002.

Submissions (2):

GeneDx
Classification: Likely benign. Last evaluated: 2016-03-18. Review status: criteria provided, single submitter. Criteria: GeneDx Variant Classification (06012015). Collection method: clinical testing. Allele origin: germline. Affected: yes.
Comment: This variant is considered likely benign or benign based on one or more of the following criteria: it is a conservative change, it occurs at a poorly conserved position in the protein, it is predicted to be benign by multiple in silico algorithms, and/or has population frequency not consistent with disease.

Breakthrough Genomics
Classification: Likely benign. Review status: criteria provided, single submitter. Criteria: ACMG Guidelines, 2015. Collection method: not provided. Allele origin: germline. Inheritance: Autosomal recessive inheritance. Affected: yes.

NC_000016.10:g.5071840G>T

Gene: ALG1 (ALG1 chitobiosyldiphosphodolichol beta-mannosyltransferase; plus strand). Cytogenetic location: 16p13.3.
Variant type: single nucleotide variant.
Genome position: GRCh38 VCF-style: chr16-5071840-G-T. GRCh37 (hg19) VCF-style: chr16-5121841-G-T.
Identifiers: ClinVar variation 384198 (VCV000384198.2), dbSNP rs761476388, ClinGen allele CA16607306.